The following is an entry in ClinVar:

NM_004370.6(COL12A1):c.6660C>G (p.Phe2220Leu)

Gene: COL12A1 (collagen type XII alpha 1 chain; minus strand). Cytogenetic location: 6q13.
Variant type: single nucleotide variant.
Coding change: c.6660C>G on transcript NM_004370.6 (MANE Select); coding-DNA position 6660, C replaced by G.
Protein change: p.Phe2220Leu; replaces phenylalanine 2220 with leucine.
Molecular consequence: missense variant.
Genome position (GRCh38, 1-based): chr6:75,124,319, G>C on the plus strand (C>G on the coding strand, the complement: COL12A1 is on the minus strand). VCF-style: chr6-75124319-G-C. GRCh37 (hg19) VCF-style: chr6-75834035-G-C.
Other names: c.3168C>G, p.Phe1056Leu (NM_080645.3); short protein forms F2220L, F1056L.
Identifiers: ClinVar variation 568117 (VCV000568117.7), dbSNP rs1562164671, ClinGen allele CA364729001.

ClinVar aggregate classification (germline): Uncertain significance (1 of 4 stars; one submission).

Conditions:
Ullrich congenital muscular dystrophy 2 (UCMD2). Identifiers: Orphanet 75840, MedGen C4225314, MONDO:0014654, OMIM 616470.
Bethlem myopathy 2 (BTHLM2). Identifiers: Orphanet 536516, Orphanet 610, MedGen C4225313, MONDO:0034022, OMIM 616471.

Allele frequency attached by ClinVar (database versions not stated): gnomAD exomes below 0.00001.
gnomAD v4.1: 1 of 1,613,564 alleles (0.000062%); highest among the groups gnomAD compares: Non-Finnish European, 0.000085%; no homozygotes.

Submission:

Labcorp Genetics (formerly Invitae), Labcorp
Classification: Uncertain significance for Bethlem myopathy 2; Ullrich congenital muscular dystrophy 2. Last evaluated: 2021-08-24. Review status: criteria provided, single submitter. Criteria: Invitae Variant Classification Sherloc (09022015). Collection method: clinical testing. Allele origin: germline.
Comment: This sequence change replaces phenylalanine with leucine at codon 2220 of the COL12A1 protein (p.Phe2220Leu). The phenylalanine residue is highly conserved and there is a small physicochemical difference between phenylalanine and leucine. This variant is not present in population databases (ExAC no frequency). This variant has not been reported in the literature in individuals affected with COL12A1-related conditions. Algorithms developed to predict the effect of missense changes on protein structure and function are either unavailable or do not agree on the potential impact of this missense change (SIFT: "Deleterious"; PolyPhen-2: "Benign"; Align-GVGD: "Class C0"). Algorithms developed to predict the effect of sequence changes on RNA splicing suggest that this variant may create or strengthen a splice site. In summary, the available evidence is currently insufficient to determine the role of this variant in disease. Therefore, it has been classified as a Variant of Uncertain Significance.